The following is an entry in ClinVar:

NM_004336.5(BUB1):c.2593G>A (p.Val865Ile)

Gene: BUB1 (BUB1 mitotic checkpoint serine/threonine kinase; minus strand). Cytogenetic location: 2q13.
Variant type: single nucleotide variant.
Coding change: c.2593G>A on transcript NM_004336.5 (MANE Select); coding-DNA position 2593, G replaced by A.
Protein change: p.Val865Ile; replaces valine 865 with isoleucine.
Molecular consequence: missense variant.
Genome position (GRCh38, 1-based): chr2:110,641,674, C>T on the plus strand (G>A on the coding strand, the complement: BUB1 is on the minus strand). VCF-style: chr2-110641674-C-T. GRCh37 (hg19) VCF-style: chr2-111399251-C-T.
Other names: c.2533G>A, p.Val845Ile (NM_001278616.2); c.2593G>A, p.Val865Ile (NM_001278617.2); short protein forms V845I, V865I.
Identifiers: ClinVar variation 1793550 (VCV001793550.3), dbSNP rs2467971998, ClinGen allele CA348090170.

ClinVar aggregate classification (germline): Uncertain significance (1 of 4 stars; one submission).

Submission:

Ambry Genetics
Classification: Uncertain significance. Last evaluated: 2024-11-02. Review status: criteria provided, single submitter. Criteria: Ambry Variant Classification Scheme 2023. Collection method: clinical testing. Allele origin: germline.
Comment: The p.V865I variant (also known as c.2593G>A), located in coding exon 21 of the BUB1 gene, results from a G to A substitution at nucleotide position 2593. The valine at codon 865 is replaced by isoleucine, an amino acid with highly similar properties. This amino acid position is conserved. In addition, this alteration is predicted to be tolerated by in silico analysis. Since supporting evidence is limited at this time, the clinical significance of this alteration remains unclear.